The following is an entry in ClinVar:

ClinVar aggregate classification (germline): Uncertain significance (1 of 4 stars; one submission).

Conditions:
Progressive myoclonic epilepsy type 8. Identifiers: Orphanet 424027, MedGen C5190825, MONDO:0014545, OMIM 616230.

Allele frequency attached by ClinVar (database versions not stated): gnomAD exomes below 0.00001.
gnomAD v4.1: 5 of 1,550,350 alleles (0.00032%); highest among the groups gnomAD compares: Non-Finnish European, 0.00044%; no homozygotes.

Submission:

Labcorp Genetics (formerly Invitae), Labcorp
Classification: Uncertain significance for Progressive myoclonic epilepsy type 8. Last evaluated: 2021-08-28. Review status: criteria provided, single submitter. Criteria: Invitae Variant Classification Sherloc (09022015). Collection method: clinical testing. Allele origin: germline.
Comment: This sequence change replaces glycine with serine at codon 248 of the CERS1 protein (p.Gly248Ser). The glycine residue is weakly conserved and there is a small physicochemical difference between glycine and serine. This variant is not present in population databases (ExAC no frequency). This variant has not been reported in the literature in individuals affected with CERS1-related conditions. Algorithms developed to predict the effect of missense changes on protein structure and function output the following: SIFT: "Tolerated"; PolyPhen-2: "Benign"; Align-GVGD: "Class C0". The serine amino acid residue is found in multiple mammalian species, which suggests that this missense change does not adversely affect protein function. In summary, the available evidence is currently insufficient to determine the role of this variant in disease. Therefore, it has been classified as a Variant of Uncertain Significance.

NM_021267.5(CERS1):c.742G>A (p.Gly248Ser)

Genes: CERS1 (ceramide synthase 1; minus strand), GDF1 (growth differentiation factor 1; minus strand). Cytogenetic location: 19p13.11.
Variant type: single nucleotide variant.
Coding change: c.742G>A on transcript NM_021267.5 (MANE Select); coding-DNA position 742, G replaced by A.
Protein change: p.Gly248Ser; replaces glycine 248 with serine.
Molecular consequence: missense variant. On other transcripts: 5 prime UTR variant (1), intron variant (1).
Genome position (GRCh38, 1-based): chr19:18,880,284, C>T on the plus strand (G>A on the coding strand, the complement: CERS1 is on the minus strand). VCF-style: chr19-18880284-C-T. GRCh37 (hg19) VCF-style: chr19-18991093-C-T.
Other names: c.448G>A, p.Gly150Ser (NM_001290265.2, NM_001387442.1, NM_001387443.1 and 2 more transcripts); c.742G>A, p.Gly248Ser (NM_001387439.1, NM_001387440.1, NM_198207.3); c.697G>A, p.Gly233Ser (NM_001387441.1); c.-581G>A (NM_001492.6); c.-313+3803G>A (NM_001387438.1); short protein forms G248S, G150S, G233S.
Identifiers: ClinVar variation 568282 (VCV000568282.6), dbSNP rs925482243, ClinGen allele CA306245119.